The following is an entry in ClinVar:

NM_181507.2(HPS5):c.3059-2A>G

Gene: HPS5 (HPS5 biogenesis of lysosomal organelles complex 2 subunit 2; minus strand). Cytogenetic location: 11p15.1.
Variant type: single nucleotide variant.
Coding change: c.3059-2A>G on transcript NM_181507.2 (MANE Select); the canonical splice acceptor site of the intron before coding-DNA position 3059, A replaced by G.
Molecular consequence: splice acceptor variant.
Genome position (GRCh38, 1-based): chr11:18,282,222, T>C on the plus strand (A>G on the coding strand, the complement: HPS5 is on the minus strand). VCF-style: chr11-18282222-T-C. GRCh37 (hg19) VCF-style: chr11-18303769-T-C.
Other names: c.2645-2A>G (NM_001440929.1, NM_001440928.1, NM_001440927.1); c.2717-2A>G (NM_181508.2, NM_001440921.1, NM_001440926.1 and 5 more transcripts); c.2948-2A>G (NM_001440915.1, NM_001440914.1, NM_001440913.1); c.2204-2A>G (NM_001440931.1); c.2903-2A>G (NM_001440917.1); c.3059-2A>G (NM_001440906.1, NM_001440905.1, NM_001440903.1 and 1 more transcripts); c.2984-2A>G (NM_001440907.1, NM_001440909.1, NM_001440908.1); c.2597-2A>G (NM_001440930.1); and 5 more.
Identifiers: ClinVar variation 3645177 (VCV003645177.2).

ClinVar aggregate classification (germline): Likely pathogenic (1 of 4 stars; one submission).

Submission:

Labcorp Genetics (formerly Invitae), Labcorp
Classification: Likely pathogenic. Last evaluated: 2024-03-09. Review status: criteria provided, single submitter. Criteria: Invitae Variant Classification Sherloc (09022015). Collection method: clinical testing. Allele origin: germline.
Comment: This sequence change affects an acceptor splice site in intron 21 of the HPS5 gene. It is expected to disrupt RNA splicing. Variants that disrupt the donor or acceptor splice site typically lead to a loss of protein function (PMID: 16199547), and loss-of-function variants in HPS5 are known to be pathogenic (PMID: 12548288, 15296495, 21833017, 26785811). This variant is not present in population databases (gnomAD no frequency). This variant has not been reported in the literature in individuals affected with HPS5-related conditions. Algorithms developed to predict the effect of sequence changes on RNA splicing suggest that this variant may disrupt the consensus splice site. In summary, the currently available evidence indicates that the variant is pathogenic, but additional data are needed to prove that conclusively. Therefore, this variant has been classified as Likely Pathogenic.

Literature cited by the submitters: PubMed 16199547; PubMed 12548288; PubMed 15296495; PubMed 21833017; PubMed 26785811.